The following is an entry in ClinVar:

ClinVar aggregate classification (germline): Uncertain significance (1 of 4 stars; one submission).

Submission:

Labcorp Genetics (formerly Invitae), Labcorp
Classification: Uncertain significance. Last evaluated: 2024-08-27. Review status: criteria provided, single submitter. Criteria: Invitae Variant Classification Sherloc (09022015). Collection method: clinical testing. Allele origin: germline.
Comment: This sequence change replaces proline, which is neutral and non-polar, with serine, which is neutral and polar, at codon 577 of the FAM65B protein (p.Pro577Ser). This variant is not present in population databases (gnomAD no frequency). This variant has not been reported in the literature in individuals affected with FAM65B-related conditions. An algorithm developed to predict the effect of missense changes on protein structure and function (PolyPhen-2) suggests that this variant is likely to be tolerated. In summary, the available evidence is currently insufficient to determine the role of this variant in disease. Therefore, it has been classified as a Variant of Uncertain Significance.

NM_001286445.3(RIPOR2):c.1666C>T (p.Pro556Ser)

Gene: RIPOR2 (RHO family interacting cell polarization regulator 2; minus strand). Cytogenetic location: 6p22.3.
Variant type: single nucleotide variant.
Coding change: c.1666C>T on transcript NM_001286445.3 (MANE Select); coding-DNA position 1666, C replaced by T.
Protein change: p.Pro556Ser; replaces proline 556 with serine.
Molecular consequence: missense variant.
Genome position (GRCh38, 1-based): chr6:24,843,053, G>A on the plus strand (C>T on the coding strand, the complement: RIPOR2 is on the minus strand). VCF-style: chr6-24843053-G-A. GRCh37 (hg19) VCF-style: chr6-24843281-G-A.
Other names: c.1681C>T, p.Pro561Ser (NM_001286446.3); c.1579C>T, p.Pro527Ser (NM_001286447.2, NM_001346031.2, NM_001346032.2 and 1 more transcripts); c.1729C>T, p.Pro577Ser (NM_014722.5); short protein forms P556S, P527S, P561S, P577S.
Identifiers: ClinVar variation 3646269 (VCV003646269.2).